The following is an entry in ClinVar:

ClinVar aggregate classification (germline): Uncertain significance. Review status: criteria provided, multiple submitters, no conflicts (2 of 4 stars). 2 submissions from 2 submitters: Uncertain significance (2). Last evaluated 2025-07-28.

Conditions:
DTNA-related disorder. Also called: DTNA-related condition.
Left ventricular noncompaction 1 (LVNC1). Also called: LEFT VENTRICULAR NONCOMPACTION 1 WITH OR WITHOUT CONGENITAL HEART DEFECTS. Identifiers: Orphanet 54260, MedGen C1858725, MONDO:0011403, OMIM 604169.

Allele frequency attached by ClinVar (database versions not stated): TOPMed 0.00002; ExAC 0.00003; gnomAD exomes 0.00003 and 0.00007; ESP Exome Variant Server 0.00008.
gnomAD v4.1: 94 of 1,613,986 alleles (0.0058%); highest among the groups gnomAD compares: Non-Finnish European, 0.0076%; no homozygotes.

Submissions (2):

PreventionGenetics, part of Exact Sciences
Classification: Uncertain significance for DTNA-related condition. Last evaluated: 2025-07-28. Review status: criteria provided, single submitter. Criteria: ACMG Guidelines, 2015. Collection method: clinical testing. Allele origin: germline.
Comment: The DTNA c.497G>A variant is predicted to result in the amino acid substitution p.Arg166Gln. To our knowledge, this variant has not been reported in the literature. This variant is reported in 0.0065% of alleles in individuals of South Asian descent in gnomAD. At this time, the clinical significance of this variant is uncertain due to the absence of conclusive functional and genetic evidence.

Labcorp Genetics (formerly Invitae), Labcorp
Classification: Uncertain significance for Left ventricular noncompaction 1. Last evaluated: 2023-06-04. Review status: criteria provided, single submitter. Criteria: Invitae Variant Classification Sherloc (09022015). Collection method: clinical testing. Allele origin: germline.
Comment: In summary, the available evidence is currently insufficient to determine the role of this variant in disease. Therefore, it has been classified as a Variant of Uncertain Significance. Advanced modeling of protein sequence and biophysical properties (such as structural, functional, and spatial information, amino acid conservation, physicochemical variation, residue mobility, and thermodynamic stability) performed at Invitae indicates that this missense variant is not expected to disrupt DTNA protein function. ClinVar contains an entry for this variant (Variation ID: 1448633). This variant has not been reported in the literature in individuals affected with DTNA-related conditions. This variant is present in population databases (rs376007740, gnomAD 0.006%). This sequence change replaces arginine, which is basic and polar, with glutamine, which is neutral and polar, at codon 166 of the DTNA protein (p.Arg166Gln).

NM_001386795.1(DTNA):c.497G>A (p.Arg166Gln)

Gene: DTNA (dystrobrevin alpha; plus strand). Cytogenetic location: 18q12.1.
Variant type: single nucleotide variant.
Coding change: c.497G>A on transcript NM_001386795.1 (MANE Select); coding-DNA position 497, G replaced by A.
Protein change: p.Arg166Gln; replaces arginine 166 with glutamine.
Molecular consequence: missense variant.
Genome position (GRCh38, 1-based): chr18:34,812,007, G>A. VCF-style: chr18-34812007-G-A. GRCh37 (hg19) VCF-style: chr18-32391971-G-A.
Other names: c.497G>A, p.Arg166Gln (NM_001198938.2, NM_001198939.2, NM_001198940.2 and 35 more transcripts); c.497G>A (NM_001390.4); short protein forms R166Q.
Identifiers: ClinVar variation 1448633 (VCV001448633.9), dbSNP rs376007740, ClinGen allele CA8935396.